The following is an entry in ClinVar:

NM_014363.6(SACS):c.297dup (p.Leu100fs)

Gene: SACS (sacsin molecular chaperone; minus strand). Cytogenetic location: 13q12.12.
Variant type: Duplication.
Coding change: c.297dup on transcript NM_014363.6 (MANE Select); coding-DNA position 297, one base duplicated (T; older notation c.297dupT).
Protein change: p.Leu100fs; shifts the reading frame from leucine 100.
Molecular consequence: frameshift variant. On other transcripts: 5 prime UTR variant (1).
Genome position (GRCh38, 1-based): chr13:23,368,450, A duplicated on the plus strand (T on the coding strand, the reverse complement: SACS is on the minus strand); the first of 4 consecutive A bases (chr13:23,368,450-23,368,453); duplicating any one gives the same sequence. VCF-style (leftmost placement, unchanged base first): chr13-23368449-G-GA. GRCh37 (hg19) VCF-style: chr13-23942588-G-GA.
Other names: c.-145dup (NM_001278055.2); short protein forms L100fs.
Identifiers: ClinVar variation 2757624 (VCV002757624.3), dbSNP rs768437944, ClinGen allele CA6912129.

ClinVar aggregate classification (germline): Pathogenic (1 of 4 stars; one submission).

Conditions:
Spastic paraplegia. Identifiers: MedGen C0037772, HP:0001258.

Submission:

Labcorp Genetics (formerly Invitae), Labcorp
Classification: Pathogenic for Spastic paraplegia. Last evaluated: 2023-09-03. Review status: criteria provided, single submitter. Criteria: Invitae Variant Classification Sherloc (09022015). Collection method: clinical testing. Allele origin: germline.
Comment: This sequence change creates a premature translational stop signal (p.Leu100Serfs*16) in the SACS gene. It is expected to result in an absent or disrupted protein product. Loss-of-function variants in SACS are known to be pathogenic (PMID: 18465152, 20876471). This variant is present in population databases (rs768437944, gnomAD 0.0009%). This variant has not been reported in the literature in individuals affected with SACS-related conditions. For these reasons, this variant has been classified as Pathogenic.

Literature cited by the submitters: PubMed 18465152; PubMed 20876471.